The following is an entry in ClinVar:

NM_022552.5(DNMT3A):c.48T>C (p.Ala16=)

Gene: DNMT3A (DNA methyltransferase 3 alpha; minus strand). Cytogenetic location: 2p23.3.
Variant type: single nucleotide variant.
Coding change: c.48T>C on transcript NM_022552.5 (MANE Select); coding-DNA position 48, T replaced by C.
Protein change: p.Ala16=; no amino-acid change (alanine 16 retained).
Molecular consequence: synonymous variant. On other transcripts: non-coding transcript variant (1).
Genome position (GRCh38, 1-based): chr2:25,313,937, A>G on the plus strand (T>C on the coding strand, the complement: DNMT3A is on the minus strand). VCF-style: chr2-25313937-A-G. GRCh37 (hg19) VCF-style: chr2-25536806-A-G.
Other names: c.48T>C, p.Ala16= (NM_001320892.2, NM_175629.2, NM_175630.1).
Identifiers: ClinVar variation 3349353 (VCV003349353.1).
Genomic context (GRCh38, chr2:25,313,937, plus strand): 5'-CAGGCCAGAGGGTCCCCAGCAGAGCCCGCTGCTCACCTTTCGGTCCTCCTCCCGCTCCGC[A>G]GCAGAGCTGCTGGTGTCCCCGGGGCCGCTGGAGGGCATGGCGGGCATCTGGGCGCCGGGA-3'
Protein context (NP_072046.2, residues 6-26): SSGPGDTSSS[Ala16=]AEREEDRKDG

ClinVar aggregate classification (germline): Likely benign (0 of 4 stars; one submission).

Conditions:
DNMT3A-related disorder. Also called: DNMT3A-related condition; DNMT3A-related disorders.

Submission:

PreventionGenetics, part of Exact Sciences
Classification: Likely benign for DNMT3A-related condition. Last evaluated: 2023-10-13. Review status: no assertion criteria provided. Collection method: clinical testing. Allele origin: germline.
Comment: This variant is classified as likely benign based on ACMG/AMP sequence variant interpretation guidelines (Richards et al. 2015 PMID: 25741868, with internal and published modifications).